The following is an entry in ClinVar:

ClinVar aggregate classification (germline): Uncertain significance (1 of 4 stars; one submission).

Submission:

GeneDx
Classification: Uncertain significance. Last evaluated: 2025-06-23. Review status: criteria provided, single submitter. Criteria: GeneDx Variant Classification Process June 2021. Collection method: clinical testing. Allele origin: germline. Affected: yes.
Comment: Not observed at significant frequency in large population cohorts (gnomAD); In silico analysis supports that this missense variant has a deleterious effect on protein structure/function; Has not been previously published as pathogenic or benign to our knowledge

NM_000141.5(FGFR2):c.1616A>G (p.Lys539Arg)

Gene: FGFR2 (fibroblast growth factor receptor 2; minus strand). Cytogenetic location: 10q26.13.
Variant type: single nucleotide variant.
Coding change: c.1616A>G on transcript NM_000141.5 (MANE Select); coding-DNA position 1616, A replaced by G.
Protein change: p.Lys539Arg; replaces lysine 539 with arginine.
Molecular consequence: missense variant. On other transcripts: non-coding transcript variant (1).
Genome position (GRCh38, 1-based): chr10:121,498,551, T>C on the plus strand (A>G on the coding strand, the complement: FGFR2 is on the minus strand). VCF-style: chr10-121498551-T-C. GRCh37 (hg19) VCF-style: chr10-123258065-T-C.
Other names: c.1619A>G, p.Lys540Arg (NM_001144913.1, NM_022970.4); c.1280A>G, p.Lys427Arg (NM_001144914.1); c.1349A>G, p.Lys450Arg (NM_001144915.2, NM_023029.3); c.1271A>G, p.Lys424Arg (NM_001144916.2, NM_001441090.1); c.1268A>G, p.Lys423Arg (NM_001144917.2); c.1265A>G, p.Lys422Arg (NM_001144918.2, NM_001441091.1); c.1352A>G, p.Lys451Arg (NM_001144919.2); c.932A>G, p.Lys311Arg (NM_001320654.2); and 4 more; short protein forms K311R, K422R, K423R, K424R, K427R, K448R, K449R, K450R.
Identifiers: ClinVar variation 4540183 (VCV004540183.1).